The following is an entry in ClinVar:

ClinVar aggregate classification (germline): Uncertain significance (1 of 4 stars; one submission).

Allele frequency attached by ClinVar (database versions not stated): gnomAD exomes 0.00003; ExAC 0.00005; ESP Exome Variant Server 0.00009; gnomAD 0.00012 and 0.00013; TOPMed 0.00012.
gnomAD v4.1: 25 of 1,208,832 alleles (0.0021%); highest among the groups gnomAD compares: African/African-American, 0.035%; no homozygotes.

Submission:

Labcorp Genetics (formerly Invitae), Labcorp
Classification: Uncertain significance. Last evaluated: 2025-08-18. Review status: criteria provided, single submitter. Criteria: Invitae Variant Classification Sherloc (09022015). Collection method: clinical testing. Allele origin: germline.
Comment: This sequence change falls in intron 14 of the SH3KBP1 gene. It does not directly change the encoded amino acid sequence of the SH3KBP1 protein. It affects a nucleotide within the consensus splice site. This variant is present in population databases (rs373724064, gnomAD 0.04%), and has an allele count higher than expected for a pathogenic variant. This variant has not been reported in the literature in individuals affected with SH3KBP1-related conditions. ClinVar contains an entry for this variant (Variation ID: 1511301). Variants that disrupt the consensus splice site are a relatively common cause of aberrant splicing (PMID: 17576681, 9536098). Algorithms developed to predict the effect of sequence changes on RNA splicing suggest that this variant is not likely to affect RNA splicing. In summary, the available evidence is currently insufficient to determine the role of this variant in disease. Therefore, it has been classified as a Variant of Uncertain Significance.

Literature cited by the submitters: PubMed 17576681; PubMed 9536098.

NM_031892.3(SH3KBP1):c.1495-3C>T

Gene: SH3KBP1 (SH3 domain containing kinase binding protein 1; minus strand). Cytogenetic location: Xp22.12.
Variant type: single nucleotide variant.
Coding change: c.1495-3C>T on transcript NM_031892.3 (MANE Select); 3 bases into the intron before coding-DNA position 1495, C replaced by T.
Molecular consequence: intron variant.
Genome position (GRCh38, 1-based): chrX:19,546,053, G>A on the plus strand (C>T on the coding strand, the complement: SH3KBP1 is on the minus strand). VCF-style: chrX-19546053-G-A. GRCh37 (hg19) VCF-style: chrX-19564171-G-A.
Other names: c.1495-3860C>T (NM_001353890.2); c.1570-3860C>T (NM_001353892.2); c.1570-3C>T (NM_001353891.2); c.1393-3860C>T (NM_001353894.2); c.1393-3C>T (NM_001353893.2); c.1450-3860C>T (NM_001353895.2); c.1384-3C>T (NM_001024666.3); c.781-3860C>T (NM_001353897.2); and 1 more.
Identifiers: ClinVar variation 1511301 (VCV001511301.6), dbSNP rs373724064, ClinGen allele CA10364527.